The following is an entry in ClinVar:

NM_004415.4(DSP):c.5673_5674del (p.Lys1892fs)

Gene: DSP (desmoplakin; plus strand). Cytogenetic location: 6p24.3.
Variant type: Microsatellite.
Coding change: c.5673_5674del on transcript NM_004415.4 (MANE Select); coding-DNA positions 5673 to 5674, 2 bases deleted (GA; older notation c.5673_5674delGA).
Protein change: p.Lys1892fs; shifts the reading frame from lysine 1892.
Molecular consequence: frameshift variant.
Genome position (GRCh38, 1-based): chr6:7,582,935-7,582,936, GA deleted; deleting any 2 consecutive bases within chr6:7,582,927-7,582,936 gives the same sequence; the c. name uses the placement nearest the transcript's 3' end. VCF-style (leftmost placement, unchanged base first): chr6-7582926-TGA-T. GRCh37 (hg19) VCF-style: chr6-7583159-TGA-T.
Other names: c.3876_3877del, p.Lys1293fs (NM_001008844.3); c.4344_4345del, p.Lys1449fs (NM_001319034.2); short protein forms K1449fs, K1892fs, K1293fs.
Identifiers: ClinVar variation 464968 (VCV000464968.9), dbSNP rs1487814687, ClinGen allele CA658657578.

ClinVar aggregate classification (germline): Pathogenic (1 of 4 stars; one submission).

Conditions:
Arrhythmogenic right ventricular dysplasia 8 (ARVD8). Also called: Arrhythmogenic Right Ventricular Dysplasia/Cardiomyopathy 8; ARRHYTHMOGENIC RIGHT VENTRICULAR DYSPLASIA, FAMILIAL, 8; ARRHYTHMOGENIC RIGHT VENTRICULAR CARDIOMYOPATHY 8. Identifiers: MedGen C1843896, MONDO:0011831, OMIM 607450.
Arrhythmogenic cardiomyopathy with wooly hair and keratoderma. Also called: Dilated cardiomyopathy with woolly hair and keratoderma; Arrhythmogenic cardiomyopathy with woolly hair and keratoderma; PALMOPLANTAR KERATODERMA WITH LEFT VENTRICULAR CARDIOMYOPATHY AND WOOLLY HAIR; Carvajal syndrome. Identifiers: Orphanet 65282, MedGen C1854063, MONDO:0011581, OMIM 605676.

Submission:

Labcorp Genetics (formerly Invitae), Labcorp
Classification: Pathogenic for Arrhythmogenic cardiomyopathy with wooly hair and keratoderma; Arrhythmogenic right ventricular dysplasia 8. Last evaluated: 2018-05-24. Review status: criteria provided, single submitter. Criteria: Invitae Variant Classification Sherloc (09022015). Collection method: clinical testing. Allele origin: germline.
Comment: For these reasons, this variant has been classified as Pathogenic. A different truncation downstream of this variant (c.7901delG) has been determined to be pathogenic (PMID: 11063735). This suggests that deletion of this region of the DSP protein is causative of disease. This variant has not been reported in the literature in individuals with a DSP-related disease. This variant is not present in population databases (ExAC no frequency). This sequence change results in a premature translational stop signal in the DSP gene (p.Lys1892Glufs*4). While this is not anticipated to result in nonsense mediated decay, it is expected to disrupt the last 978 amino acids of the DSP protein.

Literature cited by the submitters: PubMed 11063735.